The following is an entry in ClinVar:

NM_000535.7(PMS2):c.1666G>A (p.Glu556Lys)

Gene: PMS2 (PMS1 homolog 2, mismatch repair system component; minus strand). Cytogenetic location: 7p22.1.
Variant type: single nucleotide variant.
Coding change: c.1666G>A on transcript NM_000535.7 (MANE Select); coding-DNA position 1666, G replaced by A.
Protein change: p.Glu556Lys; replaces glutamic acid 556 with lysine.
Molecular consequence: missense variant. On other transcripts: non-coding transcript variant (1), intron variant (1).
Genome position (GRCh38, 1-based): chr7:5,987,099, C>T on the plus strand (G>A on the coding strand, the complement: PMS2 is on the minus strand). VCF-style: chr7-5987099-C-T. GRCh37 (hg19) VCF-style: chr7-6026730-C-T.
Other names: c.1348G>A, p.Glu450Lys (NM_001322008.2, NM_001406883.1, NM_001406903.1 and 2 more transcripts); c.1261G>A, p.Glu421Lys (NM_001322009.2, NM_001406887.1, NM_001406897.1 and 16 more transcripts); c.1105G>A, p.Glu369Lys (NM_001322010.2, NM_001406906.1, NM_001406907.1); c.733G>A, p.Glu245Lys (NM_001322011.2, NM_001322012.2); c.1093G>A, p.Glu365Lys (NM_001322013.2, NM_001406909.1); c.1666G>A, p.Glu556Lys (NM_001322014.2, NM_001406871.1, NM_001406872.1); c.1357G>A, p.Glu453Lys (NM_001322015.2, NM_001406878.1, NM_001406879.1 and 5 more transcripts); c.1852G>A, p.Glu618Lys (NM_001406866.1); and 13 more; short protein forms E398K, E564K, E365K, E385K, E421K, E434K, E448K, E453K.
Identifiers: ClinVar variation 3680063 (VCV003680063.2).

ClinVar aggregate classification (germline): Uncertain significance (1 of 4 stars; one submission).

Conditions:
Hereditary nonpolyposis colorectal neoplasms. Identifiers: MedGen C0009405, MeSH D003123.

gnomAD v4.1: 1 of 1,614,114 alleles (0.000062%); highest among the groups gnomAD compares: South Asian, 0.0011%; no homozygotes.

Submission:

Labcorp Genetics (formerly Invitae), Labcorp
Classification: Uncertain significance for Hereditary nonpolyposis colorectal neoplasms. Last evaluated: 2024-02-16. Review status: criteria provided, single submitter. Criteria: Invitae Variant Classification Sherloc (09022015). Collection method: clinical testing. Allele origin: germline.
Comment: This sequence change replaces glutamic acid, which is acidic and polar, with lysine, which is basic and polar, at codon 556 of the PMS2 protein (p.Glu556Lys). This variant is not present in population databases (gnomAD no frequency). This variant has not been reported in the literature in individuals affected with PMS2-related conditions. Advanced modeling of protein sequence and biophysical properties (such as structural, functional, and spatial information, amino acid conservation, physicochemical variation, residue mobility, and thermodynamic stability) performed at Invitae indicates that this missense variant is not expected to disrupt PMS2 protein function with a negative predictive value of 80%. In summary, the available evidence is currently insufficient to determine the role of this variant in disease. Therefore, it has been classified as a Variant of Uncertain Significance.